The following is an entry in ClinVar:

ClinVar aggregate classification (germline): Likely benign. Review status: criteria provided, single submitter (1 of 4 stars). 2 submissions from 2 submitters: Likely benign (1). 1 of the submissions does not count toward it. Last evaluated 2024-11-26.

Conditions:
CELSR3-related disorder. Also called: CELSR3-related condition.

Allele frequency attached by ClinVar (database versions not stated): 1000 Genomes Project 0.01398; 1000 Genomes Project 30x 0.01468; TOPMed 0.02933; ESP Exome Variant Server 0.02973; gnomAD 0.03051; ExAC 0.03268.
gnomAD v4.1: 60,403 of 1,612,434 alleles (3.7%); highest among the groups gnomAD compares: Non-Finnish European, 4.3%; 1,327 homozygotes.

Submissions (2):

Blueprint Genetics
Classification: Likely benign. Last evaluated: 2024-11-26. Review status: criteria provided, single submitter. Criteria: ACMG Guidelines, 2015. Collection method: clinical testing. Allele origin: germline.

PreventionGenetics, part of Exact Sciences
Classification: Benign for CELSR3-related condition. Last evaluated: 2019-11-20. Review status: no assertion criteria provided. Collection method: clinical testing. Allele origin: germline. Not counted in ClinVar's aggregate classification.
Comment: This variant is classified as benign based on ACMG/AMP sequence variant interpretation guidelines (Richards et al. 2015 PMID: 25741868, with internal and published modifications).

NM_001407.3(CELSR3):c.9123T>A (p.Ala3041=)

Gene: CELSR3 (cadherin EGF LAG seven-pass G-type receptor 3; minus strand). Cytogenetic location: 3p21.31.
Variant type: single nucleotide variant.
Coding change: c.9123T>A on transcript NM_001407.3 (MANE Select); coding-DNA position 9123, T replaced by A.
Protein change: p.Ala3041=; no amino-acid change (alanine 3041 retained).
Molecular consequence: synonymous variant.
Genome position (GRCh38, 1-based): chr3:48,640,462, A>T on the plus strand (T>A on the coding strand, the complement: CELSR3 is on the minus strand). VCF-style: chr3-48640462-A-T. GRCh37 (hg19) VCF-style: chr3-48677895-A-T.
Identifiers: ClinVar variation 3056301 (VCV003056301.3), dbSNP rs1264195, ClinGen allele CA2383632.
Genomic context (GRCh38, chr3:48,640,462, plus strand): 5'-CTGTGAAAGGCTGCCCGTGCCCCCGCCAGCATAGATGCGACCGTAAGAGGCAGCTGGCAC[A>T]GCACGGTGGCCCAAGGTGGCTGCACGGCACCAGGACAGCTCAGGGGCACCTCGGGTCTGT-3'
Protein context (NP_001398.2, residues 3031-3051): WCRAATLGHR[Ala3041=]VPAASYGRIY